The following is an entry in ClinVar:

ClinVar aggregate classification (germline): Likely benign (1 of 4 stars; one submission).

Allele frequency attached by ClinVar (database versions not stated): 1000 Genomes Project 30x 0.00016; 1000 Genomes Project 0.00020; gnomAD 0.00001; TOPMed 0.00001; ExAC 0.00002.
gnomAD v4.1: 30 of 1,601,050 alleles (0.0019%); highest among the groups gnomAD compares: African/African-American, 0.017%; no homozygotes.

Submission:

CeGaT Center for Human Genetics Tuebingen
Classification: Likely benign. Last evaluated: 2023-06-01. Review status: criteria provided, single submitter. Criteria: CeGaT Center For Human Genetics Tuebingen Variant Classification Criteria Version 2. Collection method: clinical testing. Allele origin: germline. Affected: yes. Observed: 1 variant allele.
Comment: RREB1: BP4, BP7

NM_001003699.4(RREB1):c.1806C>T (p.Ile602=)

Gene: RREB1 (ras responsive element binding protein 1; plus strand). Cytogenetic location: 6p24.3.
Variant type: single nucleotide variant.
Coding change: c.1806C>T on transcript NM_001003699.4 (MANE Select); coding-DNA position 1806, C replaced by T.
Protein change: p.Ile602=; no amino-acid change (isoleucine 602 retained).
Molecular consequence: synonymous variant.
Genome position (GRCh38, 1-based): chr6:7,229,905, C>T. VCF-style: chr6-7229905-C-T. GRCh37 (hg19) VCF-style: chr6-7230138-C-T.
Other names: c.1806C>T, p.Ile602= (NM_001003698.4, NM_001003700.2, NM_001168344.2).
Identifiers: ClinVar variation 2656198 (VCV002656198.24), dbSNP rs529117668, ClinGen allele CA3625648.